The following is an entry in ClinVar:

NM_001083926.2(ASRGL1):c.290G>T (p.Cys97Phe)

Gene: ASRGL1 (asparaginase and isoaspartyl peptidase 1; plus strand). Cytogenetic location: 11q12.3.
Variant type: single nucleotide variant.
Coding change: c.290G>T on transcript NM_001083926.2 (MANE Select); coding-DNA position 290, G replaced by T.
Protein change: p.Cys97Phe; replaces cysteine 97 with phenylalanine.
Molecular consequence: missense variant.
Genome position (GRCh38, 1-based): chr11:62,356,424, G>T. VCF-style: chr11-62356424-G-T. GRCh37 (hg19) VCF-style: chr11-62123896-G-T.
Other names: c.290G>T, p.Cys97Phe (NM_025080.4); short protein forms C97F.
Identifiers: ClinVar variation 1021201 (VCV001021201.8), dbSNP rs567867048, ClinGen allele CA380865443.

ClinVar aggregate classification (germline): Uncertain significance (1 of 4 stars; one submission).

gnomAD v4.1: 10 of 1,614,236 alleles (0.00062%); highest among the groups gnomAD compares: Non-Finnish European, 0.00085%; no homozygotes.

Submission:

Labcorp Genetics (formerly Invitae), Labcorp
Classification: Uncertain significance. Last evaluated: 2022-07-12. Review status: criteria provided, single submitter. Criteria: Invitae Variant Classification Sherloc (09022015). Collection method: clinical testing. Allele origin: germline.
Comment: This sequence change replaces cysteine, which is neutral and slightly polar, with phenylalanine, which is neutral and non-polar, at codon 97 of the ASRGL1 protein (p.Cys97Phe). This variant is present in population databases (no rsID available, gnomAD 0.003%). This variant has not been reported in the literature in individuals affected with ASRGL1-related conditions. ClinVar contains an entry for this variant (Variation ID: 1021201). Algorithms developed to predict the effect of missense changes on protein structure and function are either unavailable or do not agree on the potential impact of this missense change (SIFT: "Deleterious"; PolyPhen-2: "Possibly Damaging"; Align-GVGD: "Class C0"). In summary, the available evidence is currently insufficient to determine the role of this variant in disease. Therefore, it has been classified as a Variant of Uncertain Significance.